The following is an entry in ClinVar:

ClinVar aggregate classification (germline): Uncertain significance (1 of 4 stars; one submission).

Allele frequency attached by ClinVar (database versions not stated): gnomAD exomes below 0.00001.
gnomAD v4.1: 3 of 1,612,934 alleles (0.00019%); highest among the groups gnomAD compares: South Asian, 0.0011%; no homozygotes.

Submission:

Labcorp Genetics (formerly Invitae), Labcorp
Classification: Uncertain significance. Last evaluated: 2022-05-25. Review status: criteria provided, single submitter. Criteria: Invitae Variant Classification Sherloc (09022015). Collection method: clinical testing. Allele origin: germline.
Comment: This sequence change replaces proline, which is neutral and non-polar, with leucine, which is neutral and non-polar, at codon 631 of the COL18A1 protein (p.Pro631Leu). In summary, the available evidence is currently insufficient to determine the role of this variant in disease. Therefore, it has been classified as a Variant of Uncertain Significance. Experimental studies and prediction algorithms are not available or were not evaluated, and the functional significance of this variant is currently unknown. This variant has not been reported in the literature in individuals affected with COL18A1-related conditions. This variant is not present in population databases (gnomAD no frequency).

NM_001379500.1(COL18A1):c.1892C>T (p.Pro631Leu)

Gene: COL18A1 (collagen type XVIII alpha 1 chain; plus strand). Cytogenetic location: 21q22.3.
Variant type: single nucleotide variant.
Coding change: c.1892C>T on transcript NM_001379500.1 (MANE Select); coding-DNA position 1892, C replaced by T.
Protein change: p.Pro631Leu; replaces proline 631 with leucine.
Molecular consequence: missense variant.
Genome position (GRCh38, 1-based): chr21:45,487,505, C>T. VCF-style: chr21-45487505-C-T. GRCh37 (hg19) VCF-style: chr21-46907419-C-T.
Other names: c.2432C>T, p.Pro811Leu (NM_030582.4); c.3137C>T, p.Pro1046Leu (NM_130444.3); short protein forms P811L, P631L, P1046L.
Identifiers: ClinVar variation 2099678 (VCV002099678.4), dbSNP rs2145967464, ClinGen allele CA410496529.
Genomic context (GRCh38, chr21:45,487,505, plus strand): 5'-AGGATGACATGGAAGGCTCCGGGGGGCCCTTCTGGTCAACAGCCCGAAGCGCTGATGGGC[C>T]ACAGGTAGTGTTGTGAGCTGGGCGTGGCCGGCTCTGAGGGGTAAGGGGGTGTTGCCTGGG-3'
Protein context (NP_001366429.1, residues 621-641): FWSTARSADG[Pro631Leu]QGPPGLPGLK